The following is an entry in ClinVar:

ClinVar aggregate classification (germline): Uncertain significance (1 of 4 stars; one submission).

Allele frequency attached by ClinVar (database versions not stated): ExAC 0.00001; gnomAD exomes 0.00001; TOPMed 0.00002.
gnomAD v4.1: 10 of 1,614,086 alleles (0.00062%); highest among the groups gnomAD compares: East Asian, 0.0022%; no homozygotes.

Submission:

Labcorp Genetics (formerly Invitae), Labcorp
Classification: Uncertain significance. Last evaluated: 2024-01-05. Review status: criteria provided, single submitter. Criteria: Invitae Variant Classification Sherloc (09022015). Collection method: clinical testing. Allele origin: germline.
Comment: This sequence change replaces glycine, which is neutral and non-polar, with serine, which is neutral and polar, at codon 505 of the CSGALNACT1 protein (p.Gly505Ser). This variant is not present in population databases (gnomAD no frequency). This variant has not been reported in the literature in individuals affected with CSGALNACT1-related conditions. Advanced modeling of protein sequence and biophysical properties (such as structural, functional, and spatial information, amino acid conservation, physicochemical variation, residue mobility, and thermodynamic stability) performed at Invitae indicates that this missense variant is not expected to disrupt CSGALNACT1 protein function with a negative predictive value of 80%. In summary, the available evidence is currently insufficient to determine the role of this variant in disease. Therefore, it has been classified as a Variant of Uncertain Significance.

NM_001354483.2(CSGALNACT1):c.1513G>A (p.Gly505Ser)

Gene: CSGALNACT1 (chondroitin sulfate N-acetylgalactosaminyltransferase 1; minus strand). Cytogenetic location: 8p21.3.
Variant type: single nucleotide variant.
Coding change: c.1513G>A on transcript NM_001354483.2 (MANE Select); coding-DNA position 1513, G replaced by A.
Protein change: p.Gly505Ser; replaces glycine 505 with serine.
Molecular consequence: missense variant. On other transcripts: non-coding transcript variant (7).
Genome position (GRCh38, 1-based): chr8:19,405,866, C>T on the plus strand (G>A on the coding strand, the complement: CSGALNACT1 is on the minus strand). VCF-style: chr8-19405866-C-T. GRCh37 (hg19) VCF-style: chr8-19263377-C-T.
Other names: c.1513G>A, p.Gly505Ser (NM_001130518.2, NM_001354475.2, NM_001354476.2 and 18 more transcripts); short protein forms G505S.
Identifiers: ClinVar variation 2966295 (VCV002966295.1), dbSNP rs763848633, ClinGen allele CA4653742.